The following is an entry in ClinVar:

NM_205861.3(DHDDS):c.248del (p.Phe83fs)

Gene: DHDDS (dehydrodolichyl diphosphate synthase subunit; plus strand). Cytogenetic location: 1p36.11.
Variant type: Deletion.
Coding change: c.248del on transcript NM_205861.3 (MANE Select); coding-DNA position 248, one base deleted (T; older notation c.248delT).
Protein change: p.Phe83fs; shifts the reading frame from phenylalanine 83.
Molecular consequence: frameshift variant. On other transcripts: 5 prime UTR variant (1).
Genome position (GRCh38, 1-based): chr1:26,442,798, T deleted; the last of 2 consecutive T bases (chr1:26,442,797-26,442,798); deleting either gives the same sequence. VCF-style (leftmost placement, unchanged base first): chr1-26442796-CT-C. GRCh37 (hg19) VCF-style: chr1-26769287-CT-C.
Other names: c.248del, p.Phe83fs (NM_001243564.2, NM_001243565.2, NM_024887.4); c.-32del (NM_001319959.2); short protein forms F83fs.
Identifiers: ClinVar variation 5012340 (VCV005012340.1).

ClinVar aggregate classification (germline): Pathogenic (1 of 4 stars; one submission).

Conditions:
Retinitis pigmentosa 59 (RP59). Identifiers: Orphanet 791, MedGen C3151227, MONDO:0013468, OMIM 613861.

Submission:

Myriad Genetics, Inc.
Classification: Pathogenic for Retinitis pigmentosa 59. Last evaluated: 2023-09-30. Review status: criteria provided, single submitter. Criteria: Myriad Autosomal Dominant, Autosomal Recessive and X-Linked Classification Criteria (2023). Collection method: clinical testing. Allele origin: unknown.
Comment: NM_024887.3(DHDDS):c.248delT(F83Sfs*8) is expected to be pathogenic in the context of retinitis pigmentosa, DHDDS-related. This variant is predicted to lead to an abnormal or absent protein product due to the creation of a premature termination codon in DHDDS, a gene where loss-of-function variants are known to be pathogenic. Please note: this variant was assessed in the context of healthy population screening.